The following is an entry in ClinVar:

NM_005611.4(RBL2):c.142C>T (p.Arg48Trp)

Genes: RBL2 (RB transcriptional corepressor like 2; plus strand), LOC130059028 (ATAC-STARR-seq lymphoblastoid silent region 7496; plus strand). Cytogenetic location: 16q12.2.
Variant type: single nucleotide variant.
Coding change: c.142C>T on transcript NM_005611.4 (MANE Select); coding-DNA position 142, C replaced by T.
Protein change: p.Arg48Trp; replaces arginine 48 with tryptophan.
Molecular consequence: missense variant.
Genome position (GRCh38, 1-based): chr16:53,434,698, C>T. VCF-style: chr16-53434698-C-T. GRCh37 (hg19) VCF-style: chr16-53468610-C-T.
Other names: c.142C>T, p.Arg48Trp (NM_001323608.2, NM_001323609.2, NM_001323610.2); short protein forms R48W.
Identifiers: ClinVar variation 3152136 (VCV003152136.3), dbSNP rs751668106, ClinGen allele CA8055931.

ClinVar aggregate classification (germline): Uncertain significance. Review status: criteria provided, multiple submitters, no conflicts (2 of 4 stars). 2 submissions from 2 submitters: Uncertain significance (2). Last evaluated 2026-07-07.

Allele frequency attached by ClinVar (database versions not stated): gnomAD 0.00003; TOPMed 0.00003; gnomAD exomes 0.00009; ExAC 0.00017.
gnomAD v4.1: 122 of 1,569,594 alleles (0.0078%); highest among the groups gnomAD compares: Middle Eastern, 0.017%; no homozygotes.

Submissions (2):

GeneDx
Classification: Uncertain significance. Last evaluated: 2026-07-07. Review status: criteria provided, single submitter. Criteria: GeneDx Variant Classification Process June 2021. Collection method: clinical testing. Allele origin: germline.
Comment: In silico analysis supports that this missense variant has a deleterious effect on protein structure/function; Has not been previously published as pathogenic or benign to our knowledge

Ambry Genetics
Classification: Uncertain significance. Last evaluated: 2023-12-27. Review status: criteria provided, single submitter. Criteria: Ambry Variant Classification Scheme 2023. Collection method: clinical testing. Allele origin: germline.